The following is an entry in ClinVar:

ClinVar aggregate classification (germline): Likely benign. Review status: criteria provided, multiple submitters, no conflicts (2 of 4 stars). 2 submissions from 2 submitters: Likely benign (2). Last evaluated 2025-09-07.

Allele frequency attached by ClinVar (database versions not stated): ExAC 0.00006; gnomAD exomes 0.00007 and 0.00012; gnomAD 0.00010 and 0.00012; TOPMed 0.00011; ESP Exome Variant Server 0.00015.
gnomAD v4.1: 128 of 1,614,094 alleles (0.0079%); highest among the groups gnomAD compares: Middle Eastern, 0.25%; no homozygotes.

Submissions (2):

Labcorp Genetics (formerly Invitae), Labcorp
Classification: Likely benign. Last evaluated: 2025-09-07. Review status: criteria provided, single submitter. Criteria: Invitae Variant Classification Sherloc (09022015). Collection method: clinical testing. Allele origin: germline.

Mayo Clinic Laboratories, Mayo Clinic
Classification: Likely benign. Last evaluated: 2025-08-27. Review status: criteria provided, single submitter. Criteria: ACMG Guidelines, 2015. Collection method: clinical testing. Allele origin: germline. Observed: 1 variant allele.
Comment: BP4, BP7

NM_001025356.3(ANO6):c.294A>G (p.Ala98=)

Gene: ANO6 (anoctamin 6; plus strand). Cytogenetic location: 12q12.
Variant type: single nucleotide variant.
Coding change: c.294A>G on transcript NM_001025356.3 (MANE Select); coding-DNA position 294, A replaced by G.
Protein change: p.Ala98=; no amino-acid change (alanine 98 retained).
Molecular consequence: synonymous variant.
Genome position (GRCh38, 1-based): chr12:45,347,036, A>G. VCF-style: chr12-45347036-A-G. GRCh37 (hg19) VCF-style: chr12-45740819-A-G.
Other names: p.Ala98=; c.240A>G, p.Ala80= (NM_001142678.2); c.294A>G, p.Ala98= (NM_001142679.2); c.357A>G, p.Ala119= (NM_001204803.2).
Identifiers: ClinVar variation 729448 (VCV000729448.8), dbSNP rs377757539, ClinGen allele CA6524958.